The following is an entry in ClinVar:

NM_001365951.3(KIF1B):c.4928G>A (p.Ser1643Asn)

Gene: KIF1B (kinesin family member 1B; plus strand). Cytogenetic location: 1p36.22.
Variant type: single nucleotide variant.
Coding change: c.4928G>A on transcript NM_001365951.3 (MANE Select); coding-DNA position 4928, G replaced by A.
Protein change: p.Ser1643Asn; replaces serine 1643 with asparagine.
Molecular consequence: missense variant.
Genome position (GRCh38, 1-based): chr1:10,371,244, G>A. VCF-style: chr1-10371244-G-A. GRCh37 (hg19) VCF-style: chr1-10431302-G-A.
Other names: c.4928G>A, p.Ser1643Asn (NM_001365952.1); c.4790G>A, p.Ser1597Asn (NM_015074.3); short protein forms S1643N, S1597N.
Identifiers: ClinVar variation 3533959 (VCV003533959.3).

ClinVar aggregate classification (germline): Uncertain significance. Review status: criteria provided, multiple submitters, no conflicts (2 of 4 stars). 2 submissions from 2 submitters: Uncertain significance (2). Last evaluated 2024-07-29.

Conditions:
Charcot-Marie-Tooth disease type 2. Also called: Charcot-Marie-Tooth type 2. Identifiers: Orphanet 64746, MedGen C0270914, MONDO:0018993.

gnomAD v4.1: 1 of 1,614,142 alleles (0.000062%); highest among the groups gnomAD compares: Non-Finnish European, 0.000085%; no homozygotes.

Submissions (2):

Ambry Genetics
Classification: Uncertain significance. Last evaluated: 2024-07-29. Review status: criteria provided, single submitter. Criteria: Ambry Variant Classification Scheme 2023. Collection method: clinical testing. Allele origin: germline.
Comment: The p.S1597N variant (also known as c.4790G>A), located in coding exon 42 of the KIF1B gene, results from a G to A substitution at nucleotide position 4790. The serine at codon 1597 is replaced by asparagine, an amino acid with highly similar properties. This amino acid position is conserved. In addition, this alteration is predicted to be tolerated by in silico analysis. Based on the available evidence, the clinical significance of this variant remains unclear.

Labcorp Genetics (formerly Invitae), Labcorp
Classification: Uncertain significance for Charcot-Marie-Tooth disease type 2. Last evaluated: 2024-02-23. Review status: criteria provided, single submitter. Criteria: Invitae Variant Classification Sherloc (09022015). Collection method: clinical testing. Allele origin: germline.
Comment: This sequence change replaces serine, which is neutral and polar, with asparagine, which is neutral and polar, at codon 1597 of the KIF1B protein (p.Ser1597Asn). This variant is not present in population databases (gnomAD no frequency). This variant has not been reported in the literature in individuals affected with KIF1B-related conditions. An algorithm developed to predict the effect of missense changes on protein structure and function (PolyPhen-2) suggests that this variant is likely to be tolerated. In summary, the available evidence is currently insufficient to determine the role of this variant in disease. Therefore, it has been classified as a Variant of Uncertain Significance.